The following is an entry in ClinVar:

NM_000503.6(EYA1):c.428G>A (p.Trp143Ter)

Gene: EYA1 (EYA transcriptional coactivator and phosphatase 1; minus strand). Cytogenetic location: 8q13.3.
Variant type: single nucleotide variant.
Coding change: c.428G>A on transcript NM_000503.6 (MANE Select); coding-DNA position 428, G replaced by A.
Protein change: p.Trp143Ter; replaces tryptophan 143 with a stop codon.
Molecular consequence: nonsense. On other transcripts: intron variant (4).
Genome position (GRCh38, 1-based): chr8:71,317,680, C>T on the plus strand (G>A on the coding strand, the complement: EYA1 is on the minus strand). VCF-style: chr8-71317680-C-T. GRCh37 (hg19) VCF-style: chr8-72229915-C-T.
Other names: c.515G>A, p.Trp172Ter (NM_001370333.1); c.428G>A, p.Trp143Ter (NM_001370334.1, NM_001370335.1, NM_172058.4); c.503-6G>A (NM_001370336.1); c.506-6G>A (NM_172059.5); c.68-6G>A (NM_001288575.2); c.416-6G>A (NM_001288574.2); short protein forms W143*, W172*.
Identifiers: ClinVar variation 178857 (VCV000178857.4), dbSNP rs727504494, ClinGen allele CA273557.

ClinVar aggregate classification (germline): Pathogenic (1 of 4 stars; one submission).

Conditions:
Rare genetic deafness. Identifiers: Orphanet 96210, MedGen C5680250.

Submission:

Laboratory for Molecular Medicine, Mass General Brigham Personalized Medicine
Classification: Pathogenic for Rare genetic deafness. Last evaluated: 2013-04-08. Review status: criteria provided, single submitter. Criteria: LMM Criteria. Collection method: clinical testing. Allele origin: germline. Inheritance: Autosomal dominant inheritance. Observed: 1 variant allele.
Comment: The Trp143X variant in EYA1 has not been reported in individuals affected with b ranchio-oto-renal syndrome or in large population studies. This nonsense variant leads to a premature termination codon at position 143, which is predicted to l ead to a truncated or absent protein. In summary, this variant meets our criteri a to be classified as pathogenic.